The following is an entry in ClinVar:

ClinVar aggregate classification (germline): Uncertain significance (1 of 4 stars; one submission).

Allele frequency attached by ClinVar (database versions not stated): gnomAD exomes below 0.00001; TOPMed below 0.00001; ExAC 0.00001.
gnomAD v4.1: 5 of 1,614,086 alleles (0.00031%); highest among the groups gnomAD compares: Non-Finnish European, 0.00042%; no homozygotes.

Submission:

Women's Health and Genetics/Laboratory Corporation of America, LabCorp
Classification: Uncertain significance. Last evaluated: 2024-04-08. Review status: criteria provided, single submitter. Criteria: LabCorp Variant Classification Summary - May 2015. Collection method: clinical testing. Allele origin: germline.
Comment: Variant summary: ADNP c.1768C>T (p.Pro590Ser) results in a non-conservative amino acid change located in the ADNP, zinc finger domain of the encoded protein sequence. Three of five in-silico tools predict a benign effect of the variant on protein function. The variant allele was found at a frequency of 8e-06 in 251416 control chromosomes. The available data on variant occurrences in the general population are insufficient to allow any conclusion about variant significance. To our knowledge, no occurrence of c.1768C>T in individuals affected with ADNP-Related Multiple Congenital Anomalies-Intellectual Disability-Autism Spectrum Disorder and no experimental evidence demonstrating its impact on protein function have been reported. No submitters have cited clinical-significance assessments for this variant to ClinVar. Based on the evidence outlined above, the variant was classified as uncertain significance.

NM_001282531.3(ADNP):c.1768C>T (p.Pro590Ser)

Gene: ADNP (activity dependent neuroprotector homeobox; minus strand). Cytogenetic location: 20q13.13.
Variant type: single nucleotide variant.
Coding change: c.1768C>T on transcript NM_001282531.3 (MANE Select); coding-DNA position 1768, C replaced by T.
Protein change: p.Pro590Ser; replaces proline 590 with serine.
Molecular consequence: missense variant.
Genome position (GRCh38, 1-based): chr20:50,892,946, G>A on the plus strand (C>T on the coding strand, the complement: ADNP is on the minus strand). VCF-style: chr20-50892946-G-A. GRCh37 (hg19) VCF-style: chr20-49509483-G-A.
Other names: c.1768C>T, p.Pro590Ser (NM_001282532.2, NM_001347511.2, NM_015339.5 and 1 more transcripts); short protein forms P590S.
Identifiers: ClinVar variation 3251425 (VCV003251425.1), dbSNP rs760374363.